The following is an entry in ClinVar:

ClinVar aggregate classification (germline): Likely pathogenic. Review status: criteria provided, multiple submitters, no conflicts (2 of 4 stars). 2 submissions from 2 submitters: Likely pathogenic (2). Last evaluated 2025-11-23.

Conditions:
TRPM1-related disorder. Also called: TRPM1-related condition.

Allele frequency attached by ClinVar (database versions not stated): ExAC 0.00001; gnomAD 0.00001; gnomAD exomes 0.00001; TOPMed 0.00001.
gnomAD v4.1: 14 of 1,613,846 alleles (0.00087%); highest among the groups gnomAD compares: Non-Finnish European, 0.0011%; no homozygotes.

Submissions (2):

Labcorp Genetics (formerly Invitae), Labcorp
Classification: Likely pathogenic. Last evaluated: 2025-11-23. Review status: criteria provided, single submitter. Criteria: Invitae Variant Classification Sherloc (09022015). Collection method: clinical testing. Allele origin: germline.
Comment: This sequence change affects an acceptor splice site in intron 17 of the TRPM1 gene. It is expected to disrupt RNA splicing. Variants that disrupt the donor or acceptor splice site typically lead to a loss of protein function (PMID: 16199547), and loss-of-function variants in TRPM1 are known to be pathogenic (PMID: 19896113, 19966281, 20300565). This variant is present in population databases (rs756690940, gnomAD 0.002%). This variant has not been reported in the literature in individuals affected with TRPM1-related conditions. Algorithms developed to predict the effect of sequence changes on RNA splicing suggest that this variant may disrupt the consensus splice site. In summary, the currently available evidence indicates that the variant is pathogenic, but additional data are needed to prove that conclusively. Therefore, this variant has been classified as Likely Pathogenic.

Blueprint Genetics
Classification: Likely pathogenic for TRPM1-related disorders. Last evaluated: 2022-02-10. Review status: criteria provided, single submitter. Criteria: ACMG Guidelines, 2015. Collection method: clinical testing. Allele origin: germline. Affected: yes. Observed: 1 variant allele.

Literature cited by the submitters: PubMed 16199547 (cited by Labcorp Genetics (formerly Invitae), Labcorp); PubMed 19896113 (cited by Labcorp Genetics (formerly Invitae), Labcorp); PubMed 19966281 (cited by Labcorp Genetics (formerly Invitae), Labcorp); PubMed 20300565 (cited by Labcorp Genetics (formerly Invitae), Labcorp).

NM_001252024.2(TRPM1):c.2317-1G>C

Gene: TRPM1 (transient receptor potential cation channel subfamily M member 1; minus strand). Cytogenetic location: 15q13.3.
Variant type: single nucleotide variant.
Coding change: c.2317-1G>C on transcript NM_001252024.2 (MANE Select); the canonical splice acceptor site of the intron before coding-DNA position 2317, G replaced by C.
Molecular consequence: splice acceptor variant.
Genome position (GRCh38, 1-based): chr15:31,038,167, C>G on the plus strand (G>C on the coding strand, the complement: TRPM1 is on the minus strand). VCF-style: chr15-31038167-C-G. GRCh37 (hg19) VCF-style: chr15-31330370-C-G.
Other names: c.2368-1G>C (NM_001252020.2); c.2251-1G>C (NM_002420.6).
Identifiers: ClinVar variation 4812300 (VCV004812300.2), dbSNP rs756690940.
Genomic context (GRCh38, chr15:31,038,167, plus strand): 5'-ATCATATGTGCGAAATTCCAAAAACAAGATGGTGGGGGGTAGAAGAATCCCCATGATAAC[C>G]TACGGAACATAAATTGATTTTTTAAGCTGTGGCAATTCTAGAAAAATGTCCCAGCATAGT-3'